The following is an entry in ClinVar:

NM_207346.3(TSEN54):c.1384C>T (p.Arg462Ter)

Gene: TSEN54 (tRNA splicing endonuclease subunit 54; plus strand). Cytogenetic location: 17q25.1.
Variant type: single nucleotide variant.
Coding change: c.1384C>T on transcript NM_207346.3 (MANE Select); coding-DNA position 1384, C replaced by T.
Protein change: p.Arg462Ter; replaces arginine 462 with a stop codon.
Molecular consequence: nonsense.
Genome position (GRCh38, 1-based): chr17:75,523,733, C>T. VCF-style: chr17-75523733-C-T. GRCh37 (hg19) VCF-style: chr17-73519814-C-T.
Other names: short protein forms R462*.
Identifiers: ClinVar variation 2961560 (VCV002961560.3), dbSNP rs201775186, ClinGen allele CA8764424.

ClinVar aggregate classification (germline): Pathogenic (1 of 4 stars; one submission).

Allele frequency attached by ClinVar (database versions not stated): gnomAD 0.00001; ExAC 0.00002; 1000 Genomes Project 30x 0.00016; 1000 Genomes Project 0.00020.
gnomAD v4.1: 20 of 1,614,082 alleles (0.0012%); highest among the groups gnomAD compares: East Asian, 0.0089%; no homozygotes.

Submission:

Labcorp Genetics (formerly Invitae), Labcorp
Classification: Pathogenic. Last evaluated: 2024-03-03. Review status: criteria provided, single submitter. Criteria: Invitae Variant Classification Sherloc (09022015). Collection method: clinical testing. Allele origin: germline.
Comment: This sequence change creates a premature translational stop signal (p.Arg462*) in the TSEN54 gene. It is expected to result in an absent or disrupted protein product. Loss-of-function variants in TSEN54 are known to be pathogenic (PMID: 18711368, 20952379). This variant is present in population databases (rs201775186, gnomAD 0.003%). This variant has not been reported in the literature in individuals affected with TSEN54-related conditions. Algorithms developed to predict the effect of sequence changes on RNA splicing suggest that this variant may disrupt the consensus splice site. For these reasons, this variant has been classified as Pathogenic.

Literature cited by the submitters: PubMed 18711368; PubMed 20952379.